The following is an entry in ClinVar:

ClinVar aggregate classification (germline): Uncertain significance. Review status: criteria provided, single submitter (1 of 4 stars). 2 submissions from 2 submitters: Uncertain significance (1). 1 of the submissions does not count toward it. Last evaluated 2021-08-12.

Conditions:
PKD1-related disorder. Also called: PKD1-related condition.
Inborn genetic diseases. Identifiers: MedGen C0950123, MeSH D030342.

Allele frequency attached by ClinVar (database versions not stated): TOPMed 0.00001; gnomAD 0.00005; gnomAD exomes 0.00011; 1000 Genomes Project 0.00020; 1000 Genomes Project 30x 0.00031; ExAC 0.00031.
gnomAD v4.1: 165 of 1,610,032 alleles (0.01%); highest among the groups gnomAD compares: South Asian, 0.14%; no homozygotes.

Submissions (2):

Ambry Genetics
Classification: Uncertain significance for Inborn genetic diseases. Last evaluated: 2021-08-12. Review status: criteria provided, single submitter. Criteria: Ambry Variant Classification Scheme 2023. Collection method: clinical testing. Allele origin: germline.

PreventionGenetics, part of Exact Sciences
Classification: Likely benign for PKD1-related condition. Last evaluated: 2023-02-17. Review status: no assertion criteria provided. Collection method: clinical testing. Allele origin: germline. Not counted in ClinVar's aggregate classification.
Comment: This variant is classified as likely benign based on ACMG/AMP sequence variant interpretation guidelines (Richards et al. 2015 PMID: 25741868, with internal and published modifications).

NM_001009944.3(PKD1):c.4531C>T (p.Pro1511Ser)

Gene: PKD1 (polycystin 1, transient receptor potential channel interacting; minus strand). Cytogenetic location: 16p13.3.
Variant type: single nucleotide variant.
Coding change: c.4531C>T on transcript NM_001009944.3 (MANE Select); coding-DNA position 4531, C replaced by T.
Protein change: p.Pro1511Ser; replaces proline 1511 with serine.
Molecular consequence: missense variant.
Genome position (GRCh38, 1-based): chr16:2,110,636, G>A on the plus strand (C>T on the coding strand, the complement: PKD1 is on the minus strand). VCF-style: chr16-2110636-G-A. GRCh37 (hg19) VCF-style: chr16-2160637-G-A.
Other names: c.4531C>T, p.Pro1511Ser (NM_000296.4); short protein forms P1511S.
Identifiers: ClinVar variation 2411073 (VCV002411073.4), dbSNP rs535735521, ClinGen allele CA7832345.